The following is an entry in ClinVar:

NM_001206641.3(COA6):c.213-4A>G

Gene: COA6 (cytochrome c oxidase assembly factor 6; plus strand). Cytogenetic location: 1q42.2.
Variant type: single nucleotide variant.
Coding change: c.213-4A>G on transcript NM_001206641.3 (MANE Select); 4 bases into the intron before coding-DNA position 213, A replaced by G.
Molecular consequence: intron variant. On other transcripts: 5 prime UTR variant (1).
Genome position (GRCh38, 1-based): chr1:234,374,226, A>G. VCF-style: chr1-234374226-A-G. GRCh37 (hg19) VCF-style: chr1-234509972-A-G.
Other names: c.-20A>G (NM_001301733.1); c.123-4A>G (NM_001012985.2).
Identifiers: ClinVar variation 380182 (VCV000380182.16), dbSNP rs73099933, ClinGen allele CA1460031.
Genomic context (GRCh38, chr1:234,374,226, plus strand): 5'-TTCCTTATCTTCTCTTCAGATTACAAAGTTCATTGTTAATCTCAAATATTATTTTGGCCA[A>G]CAGCTTCATCGCAGTAGGAATGGCAGCCCCATCTATGAAGGAAAGACAGGTCTGCTGGGG-3'

ClinVar aggregate classification (germline): Benign. Review status: criteria provided, multiple submitters, no conflicts (2 of 4 stars). 4 submissions from 4 submitters: Benign (3). 1 of the submissions does not count toward it. Last evaluated 2026-02-02.

Allele frequency attached by ClinVar (database versions not stated): gnomAD exomes 0.05367; gnomAD 0.09041; ESP Exome Variant Server 0.09726; TOPMed 0.10480; 1000 Genomes Project 0.12480; 1000 Genomes Project 30x 0.12820.
gnomAD v4.1: 51,118 of 1,605,424 alleles (3.2%); highest among the groups gnomAD compares: African/African-American, 27%; 3,603 homozygotes.

Submissions 1 to 32 of 92:

Labcorp Genetics (formerly Invitae), Labcorp
Classification: Benign. Last evaluated: 2026-02-02. Review status: criteria provided, single submitter. Criteria: Invitae Variant Classification Sherloc (09022015). Collection method: clinical testing. Allele origin: germline.

GeneDx
Classification: Benign. Last evaluated: 2016-01-24. Review status: criteria provided, single submitter. Criteria: GeneDx Variant Classification (06012015). Collection method: clinical testing. Allele origin: germline. Affected: yes.
Comment: This variant is considered likely benign or benign based on one or more of the following criteria: it is a conservative change, it occurs at a poorly conserved position in the protein, it is predicted to be benign by multiple in silico algorithms, and/or has population frequency not consistent with disease.

Breakthrough Genomics
Classification: Benign. Review status: criteria provided, single submitter. Criteria: ACMG Guidelines, 2015. Collection method: not provided. Allele origin: germline. Inheritance: Autosomal recessive inheritance. Affected: yes.

Mayo Clinic Laboratories, Mayo Clinic
Classification: Benign. Last evaluated: 2016-02-23. Review status: no assertion criteria provided. Collection method: clinical testing. Allele origin: unknown. Not counted in ClinVar's aggregate classification.

Dr. Peter K. Rogan Lab, Western University
No classification provided (evidence only). Condition: Melanoma. Review status: no classification provided. Collection method: in vitro. Allele origin: not applicable. Functional consequence: retained intron. Not counted in ClinVar's aggregate classification.

Dr. Peter K. Rogan Lab, Western University
No classification provided (evidence only). Condition: Melanoma. Review status: no classification provided. Collection method: in vitro. Allele origin: not applicable. Functional consequence: retained intron. Not counted in ClinVar's aggregate classification.

Dr. Peter K. Rogan Lab, Western University
No classification provided (evidence only). Condition: Melanoma. Review status: no classification provided. Collection method: in vitro. Allele origin: not applicable. Functional consequence: retained intron. Not counted in ClinVar's aggregate classification.

Dr. Peter K. Rogan Lab, Western University
No classification provided (evidence only). Condition: Melanoma. Review status: no classification provided. Collection method: in vitro. Allele origin: not applicable. Functional consequence: retained intron. Not counted in ClinVar's aggregate classification.

Dr. Peter K. Rogan Lab, Western University
No classification provided (evidence only). Condition: Melanoma. Review status: no classification provided. Collection method: in vitro. Allele origin: not applicable. Functional consequence: retained intron. Not counted in ClinVar's aggregate classification.

Dr. Peter K. Rogan Lab, Western University
No classification provided (evidence only). Condition: Acute myeloid leukemia. Review status: no classification provided. Collection method: in vitro. Allele origin: not applicable. Functional consequence: retained intron. Not counted in ClinVar's aggregate classification.

Dr. Peter K. Rogan Lab, Western University
No classification provided (evidence only). Condition: Acute myeloid leukemia. Review status: no classification provided. Collection method: in vitro. Allele origin: not applicable. Functional consequence: retained intron. Not counted in ClinVar's aggregate classification.

Dr. Peter K. Rogan Lab, Western University
No classification provided (evidence only). Condition: Acute myeloid leukemia. Review status: no classification provided. Collection method: in vitro. Allele origin: not applicable. Functional consequence: retained intron. Not counted in ClinVar's aggregate classification.

Dr. Peter K. Rogan Lab, Western University
No classification provided (evidence only). Condition: Acute myeloid leukemia. Review status: no classification provided. Collection method: in vitro. Allele origin: not applicable. Functional consequence: retained intron. Not counted in ClinVar's aggregate classification.

Dr. Peter K. Rogan Lab, Western University
No classification provided (evidence only). Condition: Acute myeloid leukemia. Review status: no classification provided. Collection method: in vitro. Allele origin: not applicable. Functional consequence: retained intron. Not counted in ClinVar's aggregate classification.

Dr. Peter K. Rogan Lab, Western University
No classification provided (evidence only). Condition: Acute myeloid leukemia. Review status: no classification provided. Collection method: in vitro. Allele origin: not applicable. Functional consequence: retained intron. Not counted in ClinVar's aggregate classification.

Dr. Peter K. Rogan Lab, Western University
No classification provided (evidence only). Condition: Acute myeloid leukemia. Review status: no classification provided. Collection method: in vitro. Allele origin: not applicable. Functional consequence: retained intron. Not counted in ClinVar's aggregate classification.

Dr. Peter K. Rogan Lab, Western University
No classification provided (evidence only). Condition: Colon adenocarcinoma. Review status: no classification provided. Collection method: in vitro. Allele origin: not applicable. Functional consequence: retained intron. Not counted in ClinVar's aggregate classification.

Dr. Peter K. Rogan Lab, Western University
No classification provided (evidence only). Condition: Colon adenocarcinoma. Review status: no classification provided. Collection method: in vitro. Allele origin: not applicable. Functional consequence: retained intron. Not counted in ClinVar's aggregate classification.

Dr. Peter K. Rogan Lab, Western University
No classification provided (evidence only). Condition: Colon adenocarcinoma. Review status: no classification provided. Collection method: in vitro. Allele origin: not applicable. Functional consequence: retained intron. Not counted in ClinVar's aggregate classification.

Dr. Peter K. Rogan Lab, Western University
No classification provided (evidence only). Condition: Colon adenocarcinoma. Review status: no classification provided. Collection method: in vitro. Allele origin: not applicable. Functional consequence: retained intron. Not counted in ClinVar's aggregate classification.

Dr. Peter K. Rogan Lab, Western University
No classification provided (evidence only). Condition: Colon adenocarcinoma. Review status: no classification provided. Collection method: in vitro. Allele origin: not applicable. Functional consequence: retained intron. Not counted in ClinVar's aggregate classification.

Dr. Peter K. Rogan Lab, Western University
No classification provided (evidence only). Condition: Colon adenocarcinoma. Review status: no classification provided. Collection method: in vitro. Allele origin: not applicable. Functional consequence: retained intron. Not counted in ClinVar's aggregate classification.

Dr. Peter K. Rogan Lab, Western University
No classification provided (evidence only). Condition: Colon adenocarcinoma. Review status: no classification provided. Collection method: in vitro. Allele origin: not applicable. Functional consequence: retained intron. Not counted in ClinVar's aggregate classification.

Dr. Peter K. Rogan Lab, Western University
No classification provided (evidence only). Condition: Uterine carcinosarcoma. Review status: no classification provided. Collection method: in vitro. Allele origin: not applicable. Functional consequence: retained intron. Not counted in ClinVar's aggregate classification.

Dr. Peter K. Rogan Lab, Western University
No classification provided (evidence only). Condition: Uterine carcinosarcoma. Review status: no classification provided. Collection method: in vitro. Allele origin: not applicable. Functional consequence: retained intron. Not counted in ClinVar's aggregate classification.

Dr. Peter K. Rogan Lab, Western University
No classification provided (evidence only). Condition: Uterine carcinosarcoma. Review status: no classification provided. Collection method: in vitro. Allele origin: not applicable. Functional consequence: retained intron. Not counted in ClinVar's aggregate classification.

Dr. Peter K. Rogan Lab, Western University
No classification provided (evidence only). Condition: Uterine carcinosarcoma. Review status: no classification provided. Collection method: in vitro. Allele origin: not applicable. Functional consequence: retained intron. Not counted in ClinVar's aggregate classification.

Dr. Peter K. Rogan Lab, Western University
No classification provided (evidence only). Condition: Uveal melanoma. Review status: no classification provided. Collection method: in vitro. Allele origin: not applicable. Functional consequence: retained intron. Not counted in ClinVar's aggregate classification.

Dr. Peter K. Rogan Lab, Western University
No classification provided (evidence only). Condition: Colon adenocarcinoma. Review status: no classification provided. Collection method: in vitro. Allele origin: not applicable. Functional consequence: retained intron. Not counted in ClinVar's aggregate classification.

Dr. Peter K. Rogan Lab, Western University
No classification provided (evidence only). Condition: Colorectal cancer. Review status: no classification provided. Collection method: in vitro. Allele origin: not applicable. Functional consequence: retained intron. Not counted in ClinVar's aggregate classification.

Dr. Peter K. Rogan Lab, Western University
No classification provided (evidence only). Condition: Sarcoma. Review status: no classification provided. Collection method: in vitro. Allele origin: not applicable. Functional consequence: retained intron. Not counted in ClinVar's aggregate classification.

Dr. Peter K. Rogan Lab, Western University
No classification provided (evidence only). Condition: Sarcoma. Review status: no classification provided. Collection method: in vitro. Allele origin: not applicable. Functional consequence: retained intron. Not counted in ClinVar's aggregate classification.